The following is an entry in ClinVar:

NM_001852.4(COL9A2):c.1733C>T (p.Pro578Leu)

Gene: COL9A2 (collagen type IX alpha 2 chain; minus strand). Cytogenetic location: 1p34.2.
Variant type: single nucleotide variant.
Coding change: c.1733C>T on transcript NM_001852.4 (MANE Select); coding-DNA position 1733, C replaced by T.
Protein change: p.Pro578Leu; replaces proline 578 with leucine.
Molecular consequence: missense variant.
Genome position (GRCh38, 1-based): chr1:40,302,680, G>A on the plus strand (C>T on the coding strand, the complement: COL9A2 is on the minus strand). VCF-style: chr1-40302680-G-A. GRCh37 (hg19) VCF-style: chr1-40768352-G-A.
Other names: short protein forms P578L.
Identifiers: ClinVar variation 1436604 (VCV001436604.8), dbSNP rs1248084736, ClinGen allele CA339876058.

ClinVar aggregate classification (germline): Uncertain significance (1 of 4 stars; one submission).

Submission:

Labcorp Genetics (formerly Invitae), Labcorp
Classification: Uncertain significance. Last evaluated: 2021-07-02. Review status: criteria provided, single submitter. Criteria: Invitae Variant Classification Sherloc (09022015). Collection method: clinical testing. Allele origin: germline.
Comment: This sequence change replaces proline with leucine at codon 578 of the COL9A2 protein (p.Pro578Leu). The proline residue is highly conserved and there is a moderate physicochemical difference between proline and leucine. This variant is not present in population databases (ExAC no frequency). This variant has not been reported in the literature in individuals affected with COL9A2-related conditions. Advanced modeling of protein sequence and biophysical properties (such as structural, functional, and spatial information, amino acid conservation, physicochemical variation, residue mobility, and thermodynamic stability) performed at Invitae indicates that this missense variant is not expected to disrupt COL9A2 protein function. In summary, the available evidence is currently insufficient to determine the role of this variant in disease. Therefore, it has been classified as a Variant of Uncertain Significance.